The following is an entry in ClinVar:

ClinVar aggregate classification (germline): Uncertain significance (1 of 4 stars; one submission).

Conditions:
Hereditary spastic paraplegia 49 (HSAN9). Also called: TECPR2-Related Hereditary Sensory and Autonomic Neuropathy with Intellectual Disability; Spastic paraplegia 49, autosomal recessive; NEUROPATHY, HEREDITARY SENSORY AND AUTONOMIC, TYPE IX, WITH DEVELOPMENTAL DELAY. Identifiers: Orphanet 320385, MedGen C5190860, MONDO:0014016, OMIM 615031.

Allele frequency attached by ClinVar (database versions not stated): gnomAD exomes below 0.00001.
gnomAD v4.1: 2 of 1,614,212 alleles (0.00012%); highest among the groups gnomAD compares: East Asian, 0.0022%; no homozygotes.

Submission:

Labcorp Genetics (formerly Invitae), Labcorp
Classification: Uncertain significance for Hereditary spastic paraplegia 49. Last evaluated: 2022-07-11. Review status: criteria provided, single submitter. Criteria: Invitae Variant Classification Sherloc (09022015). Collection method: clinical testing. Allele origin: germline.
Comment: In summary, the available evidence is currently insufficient to determine the role of this variant in disease. Therefore, it has been classified as a Variant of Uncertain Significance. Algorithms developed to predict the effect of missense changes on protein structure and function (SIFT, PolyPhen-2, Align-GVGD) all suggest that this variant is likely to be disruptive. This variant has not been reported in the literature in individuals affected with TECPR2-related conditions. This variant is not present in population databases (gnomAD no frequency). This sequence change replaces isoleucine, which is neutral and non-polar, with threonine, which is neutral and polar, at codon 175 of the TECPR2 protein (p.Ile175Thr).

NM_014844.5(TECPR2):c.524T>C (p.Ile175Thr)

Gene: TECPR2 (tectonin beta-propeller repeat containing 2; plus strand). Cytogenetic location: 14q32.31.
Variant type: single nucleotide variant.
Coding change: c.524T>C on transcript NM_014844.5 (MANE Select); coding-DNA position 524, T replaced by C.
Protein change: p.Ile175Thr; replaces isoleucine 175 with threonine.
Molecular consequence: missense variant.
Genome position (GRCh38, 1-based): chr14:102,414,679, T>C. VCF-style: chr14-102414679-T-C. GRCh37 (hg19) VCF-style: chr14-102881016-T-C.
Other names: c.524T>C, p.Ile175Thr (NM_001172631.3); short protein forms I175T.
Identifiers: ClinVar variation 2016098 (VCV002016098.4), dbSNP rs2504387565, ClinGen allele CA391041364.